The following is an entry in ClinVar:

ClinVar aggregate classification (germline): Likely benign. Review status: criteria provided, multiple submitters, no conflicts (2 of 4 stars). 6 submissions from 6 submitters: Likely benign (5). 1 of the submissions does not count toward it. Last evaluated 2026-09-01.

Conditions:
TBCK-related disorder. Also called: TBCK-related condition; TBCK-related disorders.

Allele frequency attached by ClinVar (database versions not stated): 1000 Genomes Project 30x 0.00016; 1000 Genomes Project 0.00020; gnomAD 0.00059; ExAC 0.00062; ESP Exome Variant Server 0.00062; gnomAD exomes 0.00065 and 0.00070; TOPMed 0.00074.
gnomAD v4.1: 1,121 of 1,613,822 alleles (0.069%); highest among the groups gnomAD compares: Middle Eastern, 0.48%; 2 homozygotes.

Submissions (6):

CeGaT Center for Human Genetics Tuebingen
Classification: Likely benign. Last evaluated: 2026-09-01. Review status: criteria provided, single submitter. Criteria: CeGaT Center For Human Genetics Tuebingen Variant Classification Criteria Version 2. Collection method: clinical testing. Allele origin: germline. Affected: yes. Observed: 12 variant alleles.
Comment: TBCK: BP4, BP7

Labcorp Genetics (formerly Invitae), Labcorp
Classification: Likely benign. Last evaluated: 2026-02-03. Review status: criteria provided, single submitter. Criteria: Invitae Variant Classification Sherloc (09022015). Collection method: clinical testing. Allele origin: germline.

Blueprint Genetics
Classification: Likely benign. Last evaluated: 2024-10-14. Review status: criteria provided, single submitter. Criteria: ACMG Guidelines, 2015. Collection method: clinical testing. Allele origin: germline.

Women's Health and Genetics/Laboratory Corporation of America, LabCorp
Classification: Likely benign. Last evaluated: 2024-08-30. Review status: criteria provided, single submitter. Criteria: LabCorp Variant Classification Summary - May 2015. Collection method: clinical testing. Allele origin: germline.

Breakthrough Genomics
Classification: Likely benign. Review status: criteria provided, single submitter. Criteria: ACMG Guidelines, 2015. Collection method: not provided. Allele origin: germline. Inheritance: Autosomal recessive inheritance. Affected: yes.

PreventionGenetics, part of Exact Sciences
Classification: Likely benign for TBCK-related condition. Last evaluated: 2020-08-01. Review status: no assertion criteria provided. Collection method: clinical testing. Allele origin: germline. Not counted in ClinVar's aggregate classification.
Comment: This variant is classified as likely benign based on ACMG/AMP sequence variant interpretation guidelines (Richards et al. 2015 PMID: 25741868, with internal and published modifications).

NM_001163435.3(TBCK):c.18C>T (p.Asp6=)

Gene: TBCK (TBC1 domain containing kinase; minus strand). Cytogenetic location: 4q24.
Variant type: single nucleotide variant.
Coding change: c.18C>T on transcript NM_001163435.3 (MANE Select); coding-DNA position 18, C replaced by T.
Protein change: p.Asp6=; no amino-acid change (aspartic acid 6 retained).
Molecular consequence: synonymous variant. On other transcripts: 5 prime UTR variant (1).
Genome position (GRCh38, 1-based): chr4:106,308,943, G>A on the plus strand (C>T on the coding strand, the complement: TBCK is on the minus strand). VCF-style: chr4-106308943-G-A. GRCh37 (hg19) VCF-style: chr4-107230100-G-A.
Other names: c.18C>T (NM_001163435.2); c.18C>T, p.Asp6= (NM_001163436.4, NM_001163437.3, NM_033115.5); c.-600C>T (NM_001290768.2).
Identifiers: ClinVar variation 1123237 (VCV001123237.45), dbSNP rs139587868, ClinGen allele CA3035558.